The following is an entry in ClinVar:

ClinVar aggregate classification (germline): Uncertain significance (1 of 4 stars; one submission).

Submission:

GeneDx
Classification: Uncertain significance. Last evaluated: 2026-02-21. Review status: criteria provided, single submitter. Criteria: GeneDx Variant Classification Process June 2021. Collection method: clinical testing. Allele origin: germline.
Comment: Not observed at significant frequency in large population cohorts (gnomAD); In silico analysis suggests that this missense variant does not alter protein structure/function; Has not been previously published as pathogenic or benign to our knowledge

NM_001020658.2(PUM1):c.2443T>C (p.Ser815Pro)

Gene: PUM1 (pumilio RNA binding family member 1; minus strand). Cytogenetic location: 1p35.2.
Variant type: single nucleotide variant.
Coding change: c.2443T>C on transcript NM_001020658.2 (MANE Select); coding-DNA position 2443, T replaced by C.
Protein change: p.Ser815Pro; replaces serine 815 with proline.
Molecular consequence: missense variant.
Genome position (GRCh38, 1-based): chr1:30,953,862, A>G on the plus strand (T>C on the coding strand, the complement: PUM1 is on the minus strand). VCF-style: chr1-30953862-A-G. GRCh37 (hg19) VCF-style: chr1-31426709-A-G.
Other names: c.2443T>C, p.Ser815Pro (NM_014676.3); short protein forms S815P.
Identifiers: ClinVar variation 5009834 (VCV005009834.1).